The following is an entry in ClinVar:

NM_031892.3(SH3KBP1):c.745C>A (p.Pro249Thr)

Gene: SH3KBP1 (SH3 domain containing kinase binding protein 1; minus strand). Cytogenetic location: Xp22.12.
Variant type: single nucleotide variant.
Coding change: c.745C>A on transcript NM_031892.3 (MANE Select); coding-DNA position 745, C replaced by A.
Protein change: p.Pro249Thr; replaces proline 249 with threonine.
Molecular consequence: missense variant.
Genome position (GRCh38, 1-based): chrX:19,645,457, G>T on the plus strand (C>A on the coding strand, the complement: SH3KBP1 is on the minus strand). VCF-style: chrX-19645457-G-T. GRCh37 (hg19) VCF-style: chrX-19663575-G-T.
Other names: c.634C>A, p.Pro212Thr (NM_001024666.3); c.31C>A, p.Pro11Thr (NM_001184960.2, NM_001353897.2); c.745C>A, p.Pro249Thr (NM_001353890.2); c.820C>A, p.Pro274Thr (NM_001353891.2, NM_001353892.2); c.643C>A, p.Pro215Thr (NM_001353893.2, NM_001353894.2); c.700C>A, p.Pro234Thr (NM_001353895.2); c.877C>A, p.Pro293Thr (NM_001410756.1, NM_001410757.1); c.568C>A, p.Pro190Thr (NM_001410758.1); short protein forms P234T, P249T, P293T, P11T, P212T, P190T, P215T, P274T.
Identifiers: ClinVar variation 2723728 (VCV002723728.3), dbSNP rs2061968974, ClinGen allele CA412497439.
Genomic context (GRCh38, chrX:19,645,457, plus strand): 5'-CACTCTTTGTCCTGCTGTCCATTTCTGTTTTTGATGAGTCTGGAGTTGCTGTAGTTGCAG[G>T]TAACTTCTTCCCAATAGTCTGAGGGGAAAAACAGATGATTTTACTTATCAAGATGATTGT-3'
Protein context (NP_114098.1, residues 239-259): PVEKTIGKKL[Pro249Thr]ATTATPDSSK

ClinVar aggregate classification (germline): Uncertain significance (1 of 4 stars; one submission).

Allele frequency attached by ClinVar (database versions not stated): gnomAD exomes 0.00001.
gnomAD v4.1: 9 of 1,200,389 alleles (0.00075%); highest among the groups gnomAD compares: Non-Finnish European, 0.001%; no homozygotes.

Submission:

Labcorp Genetics (formerly Invitae), Labcorp
Classification: Uncertain significance. Last evaluated: 2023-07-12. Review status: criteria provided, single submitter. Criteria: Invitae Variant Classification Sherloc (09022015). Collection method: clinical testing. Allele origin: germline.
Comment: In summary, the available evidence is currently insufficient to determine the role of this variant in disease. Therefore, it has been classified as a Variant of Uncertain Significance. Advanced modeling of protein sequence and biophysical properties (such as structural, functional, and spatial information, amino acid conservation, physicochemical variation, residue mobility, and thermodynamic stability) performed at Invitae indicates that this missense variant is not expected to disrupt SH3KBP1 protein function. This variant has not been reported in the literature in individuals affected with SH3KBP1-related conditions. This variant is not present in population databases (gnomAD no frequency). This sequence change replaces proline, which is neutral and non-polar, with threonine, which is neutral and polar, at codon 249 of the SH3KBP1 protein (p.Pro249Thr).